The following is an entry in ClinVar:

NM_001367479.1(DNAH14):c.767+10A>G

Gene: DNAH14 (dynein axonemal heavy chain 14; plus strand). Cytogenetic location: 1q42.12.
Variant type: single nucleotide variant.
Coding change: c.767+10A>G on transcript NM_001367479.1 (MANE Select); 10 bases into the intron after coding-DNA position 767, A replaced by G.
Molecular consequence: intron variant. On other transcripts: 3 prime UTR variant (1).
Genome position (GRCh38, 1-based): chr1:224,968,884, A>G. VCF-style: chr1-224968884-A-G. GRCh37 (hg19) VCF-style: chr1-225156586-A-G.
Other names: NM_001373.1:c.767+10A>G; c.*6A>G (NM_001349912.2); c.767+10A>G (NM_001145154.3, NM_001367481.1); c.698+10A>G (NM_001349911.2).
Identifiers: ClinVar variation 3348091 (VCV003348091.1).

ClinVar aggregate classification (germline): Uncertain significance (0 of 4 stars; one submission).

Conditions:
DNAH14-related disorder. Also called: DNAH14-related condition.

gnomAD v4.1: 47 of 1,517,364 alleles (0.0031%); highest among the groups gnomAD compares: Admixed American, 0.096%; no homozygotes.

Submission:

PreventionGenetics, part of Exact Sciences
Classification: Uncertain significance for DNAH14-related condition. Last evaluated: 2024-08-31. Review status: no assertion criteria provided. Collection method: clinical testing. Allele origin: germline.
Comment: The DNAH14 c.767+10A>G variant is predicted to interfere with splicing. To our knowledge, this variant has not been reported in the literature. This variant is reported in 0.14% of alleles in individuals of Latino descent in gnomAD. However, the use of computer prediction programs is not equivalent to functional evidence, and therefore the clinical significance of this variant is uncertain.